The following is an entry in ClinVar:

ClinVar aggregate classification (germline): Uncertain significance (1 of 4 stars; one submission).

Submission:

GeneDx
Classification: Uncertain significance. Last evaluated: 2023-02-08. Review status: criteria provided, single submitter. Criteria: GeneDx Variant Classification Process June 2021. Collection method: clinical testing. Allele origin: germline. Affected: yes.
Comment: Not observed at significant frequency in large population cohorts (gnomAD); In silico analysis supports that this missense variant has a deleterious effect on protein structure/function; Has not been previously published as pathogenic or benign to our knowledge

NM_006445.4(PRPF8):c.1912C>T (p.Leu638Phe)

Gene: PRPF8 (pre-mRNA processing factor 8; minus strand). Cytogenetic location: 17p13.3.
Variant type: single nucleotide variant.
Coding change: c.1912C>T on transcript NM_006445.4 (MANE Select); coding-DNA position 1912, C replaced by T.
Protein change: p.Leu638Phe; replaces leucine 638 with phenylalanine.
Molecular consequence: missense variant.
Genome position (GRCh38, 1-based): chr17:1,677,637, G>A on the plus strand (C>T on the coding strand, the complement: PRPF8 is on the minus strand). VCF-style: chr17-1677637-G-A. GRCh37 (hg19) VCF-style: chr17-1580931-G-A.
Other names: short protein forms L638F.
Identifiers: ClinVar variation 2575532 (VCV002575532.1), dbSNP rs2543771415, ClinGen allele CA397556886.